The following is an entry in ClinVar:

ClinVar aggregate classification (germline): Uncertain significance. Review status: criteria provided, multiple submitters, no conflicts (2 of 4 stars). 2 submissions from 2 submitters: Uncertain significance (2). Last evaluated 2024-02-02.

Conditions:
Inborn genetic diseases. Identifiers: MedGen C0950123, MeSH D030342.

Allele frequency attached by ClinVar (database versions not stated): TOPMed below 0.00001; ExAC 0.00002; gnomAD 0.00002.
gnomAD v4.1: 43 of 1,614,062 alleles (0.0027%); highest among the groups gnomAD compares: Middle Eastern, 0.049%; no homozygotes.

Submissions (2):

Ambry Genetics
Classification: Uncertain significance for Inborn genetic diseases. Last evaluated: 2024-02-02. Review status: criteria provided, single submitter. Criteria: Ambry Variant Classification Scheme 2023. Collection method: clinical testing. Allele origin: germline.

Labcorp Genetics (formerly Invitae), Labcorp
Classification: Uncertain significance. Last evaluated: 2022-01-20. Review status: criteria provided, single submitter. Criteria: Invitae Variant Classification Sherloc (09022015). Collection method: clinical testing. Allele origin: germline.
Comment: This sequence change replaces arginine, which is basic and polar, with glutamine, which is neutral and polar, at codon 603 of the ADAMTS18 protein (p.Arg603Gln). This variant is present in population databases (rs773401732, gnomAD 0.01%). This variant has not been reported in the literature in individuals affected with ADAMTS18-related conditions. Algorithms developed to predict the effect of missense changes on protein structure and function are either unavailable or do not agree on the potential impact of this missense change (SIFT: "Not Available"; PolyPhen-2: "Probably Damaging"; Align-GVGD: "Not Available"). In summary, the available evidence is currently insufficient to determine the role of this variant in disease. Therefore, it has been classified as a Variant of Uncertain Significance.

NM_199355.4(ADAMTS18):c.1808G>A (p.Arg603Gln)

Gene: ADAMTS18 (ADAM metallopeptidase with thrombospondin type 1 motif 18; minus strand). Cytogenetic location: 16q23.1.
Variant type: single nucleotide variant.
Coding change: c.1808G>A on transcript NM_199355.4 (MANE Select); coding-DNA position 1808, G replaced by A.
Protein change: p.Arg603Gln; replaces arginine 603 with glutamine.
Molecular consequence: missense variant.
Genome position (GRCh38, 1-based): chr16:77,335,807, C>T on the plus strand (G>A on the coding strand, the complement: ADAMTS18 is on the minus strand). VCF-style: chr16-77335807-C-T. GRCh37 (hg19) VCF-style: chr16-77369704-C-T.
Other names: c.1292G>A, p.Arg431Gln (NM_001326358.2); c.1808G>A (NM_199355.2); short protein forms R431Q, R603Q.
Identifiers: ClinVar variation 1934595 (VCV001934595.3), dbSNP rs773401732, ClinGen allele CA8181157.